The following is an entry in ClinVar:

ClinVar aggregate classification (germline): Uncertain significance. Review status: criteria provided, multiple submitters, no conflicts (2 of 4 stars). 2 submissions from 2 submitters: Uncertain significance (2). Last evaluated 2025-04-12.

Conditions:
Primary dilated cardiomyopathy (DCM). Also called: Dilated Cardiomyopathy. Identifiers: Orphanet 217604, MedGen C0007193, MeSH D002311, MONDO:0005021, HP:0001644. Inheritance: Various modes of inheritance.
Hypertrophic cardiomyopathy. Also called: HYPERTROPHIC MYOCARDIOPATHY. Identifiers: Orphanet 217569, MedGen C0007194, MeSH D002312, MONDO:0005045, HP:0001639.

Allele frequency attached by ClinVar (database versions not stated): ExAC 0.00002; gnomAD exomes 0.00002 and 0.00001; TOPMed 0.00002; gnomAD 0.00003.
gnomAD v4.1: 18 of 1,613,930 alleles (0.0011%); highest among the groups gnomAD compares: Admixed American, 0.0033%; no homozygotes.

Submissions (2):

Ambry Genetics
Classification: Uncertain significance. Last evaluated: 2025-04-12. Review status: criteria provided, single submitter. Criteria: Ambry Variant Classification Scheme 2023. Collection method: clinical testing. Allele origin: germline.
Comment: The p.R147C variant (also known as c.439C>T), located in coding exon 5 of the PDLIM3 gene, results from a C to T substitution at nucleotide position 439. The arginine at codon 147 is replaced by cysteine, an amino acid with highly dissimilar properties. This amino acid position is conserved. In addition, the in silico prediction for this alteration is inconclusive. Since supporting evidence is limited at this time, the clinical significance of this alteration remains unclear.

Labcorp Genetics (formerly Invitae), Labcorp
Classification: Uncertain significance for Hypertrophic cardiomyopathy; Primary dilated cardiomyopathy. Last evaluated: 2025-03-13. Review status: criteria provided, single submitter. Criteria: Invitae Variant Classification Sherloc (09022015). Collection method: clinical testing. Allele origin: germline.
Comment: This sequence change replaces arginine, which is basic and polar, with cysteine, which is neutral and slightly polar, at codon 147 of the PDLIM3 protein (p.Arg147Cys). This variant is present in population databases (rs769851440, gnomAD 0.004%). This variant has not been reported in the literature in individuals affected with PDLIM3-related conditions. ClinVar contains an entry for this variant (Variation ID: 643629). Invitae Evidence Modeling of protein sequence and biophysical properties (such as structural, functional, and spatial information, amino acid conservation, physicochemical variation, residue mobility, and thermodynamic stability) indicates that this missense variant is not expected to disrupt PDLIM3 protein function with a negative predictive value of 80%. In summary, the available evidence is currently insufficient to determine the role of this variant in disease. Therefore, it has been classified as a Variant of Uncertain Significance.

NM_014476.6(PDLIM3):c.439C>T (p.Arg147Cys)

Gene: PDLIM3 (PDZ and LIM domain 3; minus strand). Cytogenetic location: 4q35.1.
Variant type: single nucleotide variant.
Coding change: c.439C>T on transcript NM_014476.6 (MANE Select); coding-DNA position 439, C replaced by T.
Protein change: p.Arg147Cys; replaces arginine 147 with cysteine.
Molecular consequence: missense variant. On other transcripts: intron variant (3).
Genome position (GRCh38, 1-based): chr4:185,508,522, G>A on the plus strand (C>T on the coding strand, the complement: PDLIM3 is on the minus strand). VCF-style: chr4-185508522-G-A. GRCh37 (hg19) VCF-style: chr4-186429676-G-A.
Other names: c.162-1870C>T (NM_001257963.2); c.399-1870C>T (NM_001257962.2); c.519-1870C>T (NM_001114107.5); short protein forms R147C.
Identifiers: ClinVar variation 643629 (VCV000643629.12), dbSNP rs769851440, ClinGen allele CA3159775.